The following is an entry in ClinVar:

NM_000433.4(NCF2):c.637A>G (p.Ser213Gly)

Gene: NCF2 (neutrophil cytosolic factor 2; minus strand). Cytogenetic location: 1q25.3.
Variant type: single nucleotide variant.
Coding change: c.637A>G on transcript NM_000433.4 (MANE Select); coding-DNA position 637, A replaced by G.
Protein change: p.Ser213Gly; replaces serine 213 with glycine.
Molecular consequence: missense variant.
Genome position (GRCh38, 1-based): chr1:183,570,812, T>C on the plus strand (A>G on the coding strand, the complement: NCF2 is on the minus strand). VCF-style: chr1-183570812-T-C. GRCh37 (hg19) VCF-style: chr1-183539947-T-C.
Other names: c.637A>G, p.Ser213Gly (NM_001127651.3); c.394A>G, p.Ser132Gly (NM_001190789.2); c.502A>G, p.Ser168Gly (NM_001190794.2); short protein forms S132G, S168G, S213G.
Identifiers: ClinVar variation 1505299 (VCV001505299.6), dbSNP rs2102898377, ClinGen allele CA343674968.

ClinVar aggregate classification (germline): Uncertain significance (1 of 4 stars; one submission).

Conditions:
Granulomatous disease, chronic, autosomal recessive, cytochrome b-positive, type 2. Also called: Chronic granulomatous disease due to deficiency of NCF-2; Chronic Granulomatous Disease, Autosomal Recessive, Cytochrome b-Positive, Type II; GRANULOMATOUS DISEASE, CHRONIC, AUTOSOMAL RECESSIVE, 2; GRANULOMATOUS DISEASE, CHRONIC, DUE TO NCF2 DEFICIENCY; CGD, AUTOSOMAL RECESSIVE CYTOCHROME b-POSITIVE, TYPE II. Identifiers: Orphanet 379, MedGen C1856245, MONDO:0009310, OMIM 233710.

Submission:

Labcorp Genetics (formerly Invitae), Labcorp
Classification: Uncertain significance for Granulomatous disease, chronic, autosomal recessive, cytochrome b-positive, type 2. Last evaluated: 2022-07-05. Review status: criteria provided, single submitter. Criteria: Invitae Variant Classification Sherloc (09022015). Collection method: clinical testing. Allele origin: germline.
Comment: This variant is not present in population databases (gnomAD no frequency). This sequence change replaces serine, which is neutral and polar, with glycine, which is neutral and non-polar, at codon 213 of the NCF2 protein (p.Ser213Gly). This variant has not been reported in the literature in individuals affected with NCF2-related conditions. In summary, the available evidence is currently insufficient to determine the role of this variant in disease. Therefore, it has been classified as a Variant of Uncertain Significance. Algorithms developed to predict the effect of missense changes on protein structure and function (SIFT, PolyPhen-2, Align-GVGD) all suggest that this variant is likely to be tolerated. ClinVar contains an entry for this variant (Variation ID: 1505299).